The following is an entry in ClinVar:

ClinVar aggregate classification (germline): Uncertain significance (1 of 4 stars; one submission).

Submission:

Labcorp Genetics (formerly Invitae), Labcorp
Classification: Uncertain significance. Last evaluated: 2022-02-09. Review status: criteria provided, single submitter. Criteria: Invitae Variant Classification Sherloc (09022015). Collection method: clinical testing. Allele origin: germline.
Comment: A copy number gain of the genomic region encompassing the full coding sequence of the LHX3 gene has been identified. The boundaries of this event are unknown as they extend beyond the assayed region for this gene and therefore may encompass additional genes. As the precise location of this event is unknown, it may be in tandem or it may be located elsewhere in the genome. This variant has not been reported in the literature in individuals affected with LHX3-related conditions. In summary, the available evidence is currently insufficient to determine the role of this variant in disease. Therefore, it has been classified as a Variant of Uncertain Significance.

NC_000009.11:g.(?_139089171)_(139094885_?)dup

Gene: LHX3 (LIM homeobox 3; minus strand). Cytogenetic location: 9q34.3.
Variant type: Duplication.
Identifiers: ClinVar variation 2425954 (VCV002425954.2).